The following is an entry in ClinVar:

ClinVar aggregate classification (germline): Uncertain significance (1 of 4 stars; one submission).

Conditions:
Retinoblastoma (RB1). Also called: RETINOBLASTOMA, SOMATIC. Identifiers: Orphanet 790, MedGen C0035335, MeSH D012175, MONDO:0008380, OMIM 180200, HP:0009919. Disease mechanism: loss of function. Inheritance: Both sporadic and heritable forms are tested..

gnomAD v4.1: 16 of 1,513,474 alleles (0.0011%); highest among the groups gnomAD compares: South Asian, 0.018%; no homozygotes.

Submission:

Labcorp Genetics (formerly Invitae), Labcorp
Classification: Uncertain significance for Retinoblastoma. Last evaluated: 2025-07-14. Review status: criteria provided, single submitter. Criteria: Invitae Variant Classification Sherloc (09022015). Collection method: clinical testing. Allele origin: germline.
Comment: This variant occurs in a non-coding region of the RB1 gene. It does not change the encoded amino acid sequence of the RB1 protein. This variant is present in population databases (rs756326110, gnomAD 0.01%). This variant has not been reported in the literature in individuals affected with RB1-related conditions. In summary, the available evidence is currently insufficient to determine the role of this variant in disease. Therefore, it has been classified as a Variant of Uncertain Significance.

NM_000321.3(RB1):c.-26G>C

Gene: RB1 (RB transcriptional corepressor 1; plus strand). Cytogenetic location: 13q14.2.
Variant type: single nucleotide variant.
Coding change: c.-26G>C on transcript NM_000321.3 (MANE Select); 26 bases upstream of the start codon, G replaced by C.
Molecular consequence: 5 prime UTR variant.
Genome position (GRCh38, 1-based): chr13:48,303,887, G>C. VCF-style: chr13-48303887-G-C. GRCh37 (hg19) VCF-style: chr13-48878023-G-C.
Other names: c.-26G>C (NM_001407165.1, NM_001407166.1, NM_001407167.1).
Identifiers: ClinVar variation 4718251 (VCV004718251.1).